The following is an entry in ClinVar:

ClinVar aggregate classification (germline): Benign/Likely benign. Review status: criteria provided, multiple submitters, no conflicts (2 of 4 stars). 7 submissions from 7 submitters: Benign (1); Likely benign (6). Last evaluated 2025-12-15.

Conditions:
Hereditary cancer-predisposing syndrome. Also called: Tumor predisposition; Hereditary Cancer Syndrome; Hereditary neoplastic syndrome; Neoplastic Syndromes, Hereditary. Identifiers: Orphanet 140162, MedGen C0027672, MeSH D009386, MONDO:0015356.
Peutz-Jeghers syndrome (PJS). Also called: POLYPOSIS, HAMARTOMATOUS INTESTINAL; POLYPS-AND-SPOTS SYNDROME; Peutz-Jeghers polyposis; Periorificial lentiginosis syndrome. Identifiers: Orphanet 2869, MedGen C0031269, MeSH D010580, MONDO:0008280, OMIM 175200.

Allele frequency attached by ClinVar (database versions not stated): gnomAD exomes below 0.00001; ExAC 0.00001; gnomAD 0.00001; TOPMed 0.00003; ESP Exome Variant Server 0.00008.

Submissions (7):

Labcorp Genetics (formerly Invitae), Labcorp
Classification: Likely benign for Peutz-Jeghers syndrome. Last evaluated: 2025-12-15. Review status: criteria provided, single submitter. Criteria: Invitae Variant Classification Sherloc (09022015). Collection method: clinical testing. Allele origin: germline.

Myriad Genetics, Inc.
Classification: Benign for Peutz-Jeghers syndrome. Last evaluated: 2025-03-26. Review status: criteria provided, single submitter. Criteria: Myriad Autosomal Dominant, Autosomal Recessive and X-Linked Classification Criteria (2023). Collection method: clinical testing. Allele origin: unknown.
Comment: This variant is considered benign. This variant is a silent/synonymous amino acid change and it is not expected to impact splicing.

All of Us Research Program, National Institutes of Health
Classification: Likely benign for Peutz-Jeghers syndrome. Last evaluated: 2023-12-13. Review status: criteria provided, single submitter. Criteria: ACMG Guidelines, 2015. Collection method: clinical testing. Allele origin: germline. Inheritance: Autosomal dominant inheritance. Observed: 3 variant alleles, 3 heterozygotes.
Comment: This study involves interpretation of variants in research participants for the purpose of population health screening. Participant phenotype was not available at the time of variant classification. Additional details can be found in publication PMID: 35346344, PMCID: PMC8962531

Color Diagnostics, LLC DBA Color Health
Classification: Likely benign for Hereditary cancer-predisposing syndrome. Last evaluated: 2019-11-06. Review status: criteria provided, single submitter. Criteria: ACMG Guidelines, 2015. Collection method: clinical testing. Allele origin: germline.

GeneDx
Classification: Likely benign. Last evaluated: 2018-11-19. Review status: criteria provided, single submitter. Criteria: GeneDx Variant Classification Process June 2021. Collection method: clinical testing. Allele origin: germline. Affected: yes.
Comment: This variant is associated with the following publications: (PMID: 25303977)

Quest Diagnostics Nichols Institute San Juan Capistrano
Classification: Likely benign. Last evaluated: 2017-05-18. Review status: criteria provided, single submitter. Criteria: Quest Diagnostics criteria. Collection method: clinical testing. Allele origin: germline.

Ambry Genetics
Classification: Likely benign for Hereditary cancer-predisposing syndrome. Last evaluated: 2015-11-06. Review status: criteria provided, single submitter. Criteria: Ambry Variant Classification Scheme 2023. Collection method: clinical testing. Allele origin: germline.

NM_000455.5(STK11):c.648C>T (p.Ser216=)

Gene: STK11 (serine/threonine kinase 11; plus strand). Cytogenetic location: 19p13.3.
Variant type: single nucleotide variant.
Coding change: c.648C>T on transcript NM_000455.5 (MANE Select); coding-DNA position 648, C replaced by T.
Protein change: p.Ser216=; no amino-acid change (serine 216 retained).
Molecular consequence: synonymous variant.
Genome position (GRCh38, 1-based): chr19:1,220,631, C>T. VCF-style: chr19-1220631-C-T. GRCh37 (hg19) VCF-style: chr19-1220630-C-T.
Identifiers: ClinVar variation 183800 (VCV000183800.22), dbSNP rs376083300, ClinGen allele CA023196.